The following is an entry in ClinVar:

ClinVar aggregate classification (germline): Uncertain significance. Review status: criteria provided, single submitter (1 of 4 stars). 2 submissions from 2 submitters: Uncertain significance (1). 1 of the submissions does not count toward it. Last evaluated 2021-02-14.

Conditions:
GALNT12-related disorder. Also called: GALNT12-related condition.

Allele frequency attached by ClinVar (database versions not stated): gnomAD 0.00001; TOPMed 0.00002.
gnomAD v4.1: 3 of 1,614,082 alleles (0.00019%); highest among the groups gnomAD compares: Admixed American, 0.0017%; no homozygotes.

Submissions (2):

Labcorp Genetics (formerly Invitae), Labcorp
Classification: Uncertain significance. Last evaluated: 2021-02-14. Review status: criteria provided, single submitter. Criteria: Invitae Variant Classification Sherloc (09022015). Collection method: clinical testing. Allele origin: germline.
Comment: In summary, the available evidence is currently insufficient to determine the role of this variant in disease. Therefore, it has been classified as a Variant of Uncertain Significance. Algorithms developed to predict the effect of missense changes on protein structure and function are either unavailable or do not agree on the potential impact of this missense change (SIFT: "Tolerated"; PolyPhen-2: "Possibly Damaging"; Align-GVGD: "Class C0"). This variant has not been reported in the literature in individuals with GALNT12-related conditions. This variant is not present in population databases (ExAC no frequency). This sequence change replaces phenylalanine with cysteine at codon 559 of the GALNT12 protein (p.Phe559Cys). The phenylalanine residue is moderately conserved and there is a large physicochemical difference between phenylalanine and cysteine.

PreventionGenetics, part of Exact Sciences
Classification: Uncertain significance for GALNT12-related condition. Last evaluated: 2024-01-04. Review status: no assertion criteria provided. Collection method: clinical testing. Allele origin: germline. Not counted in ClinVar's aggregate classification.
Comment: The GALNT12 c.1676T>G variant is predicted to result in the amino acid substitution p.Phe559Cys. To our knowledge, this variant has not been reported in the literature. This variant is reported in 0.0029% of alleles in individuals of Latino descent in gnomAD and is interpreted as uncertain significance in ClinVar. At this time, the clinical significance of this variant is uncertain due to the absence of conclusive functional and genetic evidence.

NM_024642.5(GALNT12):c.1676T>G (p.Phe559Cys)

Gene: GALNT12 (polypeptide N-acetylgalactosaminyltransferase 12; plus strand). Cytogenetic location: 9q22.33.
Variant type: single nucleotide variant.
Coding change: c.1676T>G on transcript NM_024642.5 (MANE Select); coding-DNA position 1676, T replaced by G.
Protein change: p.Phe559Cys; replaces phenylalanine 559 with cysteine.
Molecular consequence: missense variant.
Genome position (GRCh38, 1-based): chr9:98,849,022, T>G. VCF-style: chr9-98849022-T-G. GRCh37 (hg19) VCF-style: chr9-101611304-T-G.
Other names: c.1676T>G (NM_024642.4); short protein forms F559C.
Identifiers: ClinVar variation 1501198 (VCV001501198.10), dbSNP rs985361459, ClinGen allele CA196833984.
Genomic context (GRCh38, chr9:98,849,022, plus strand): 5'-TATTTCACGAACAGTCCAAGAAATGTGTCCAGGCTGCGAGGAAGGAGTCGAGTGACAGTT[T>G]CGTTCCACTCTTACGAGACTGCACCAACTCGGATCATCAGAAATGGTTCTTCAAAGAGCG-3'
Protein context (NP_078918.3, residues 549-569): QAARKESSDS[Phe559Cys]VPLLRDCTNS